The following is an entry in ClinVar:

ClinVar aggregate classification (germline): Uncertain significance (1 of 4 stars; one submission).

Conditions:
Hereditary cancer-predisposing syndrome. Also called: Tumor predisposition; Neoplastic Syndromes, Hereditary; Hereditary neoplastic syndrome; Hereditary Cancer Syndrome. Identifiers: Orphanet 140162, MedGen C0027672, MeSH D009386, MONDO:0015356.

Submission:

Ambry Genetics
Classification: Uncertain significance for Hereditary cancer-predisposing syndrome. Last evaluated: 2025-08-27. Review status: criteria provided, single submitter. Criteria: Ambry Variant Classification Scheme 2023. Collection method: clinical testing. Allele origin: germline.
Comment: The p.Q422H variant (also known as c.1266G>T), located in coding exon 13 of the MUTYH gene, results from a G to T substitution at nucleotide position 1266. The glutamine at codon 422 is replaced by histidine, an amino acid with highly similar properties. This amino acid position is conserved. In addition, this alteration is predicted to be tolerated by in silico analysis. Based on the available evidence, the clinical significance of this variant remains unclear.

NM_001048174.2(MUTYH):c.1182G>T (p.Gln394His)

Gene: MUTYH (mutY DNA glycosylase; minus strand). Cytogenetic location: 1p34.1.
Variant type: single nucleotide variant.
Coding change: c.1182G>T on transcript NM_001048174.2 (MANE Select); coding-DNA position 1182, G replaced by T.
Protein change: p.Gln394His; replaces glutamine 394 with histidine.
Molecular consequence: missense variant. On other transcripts: non-coding transcript variant (7).
Genome position (GRCh38, 1-based): chr1:45,331,477, C>A on the plus strand (G>T on the coding strand, the complement: MUTYH is on the minus strand). VCF-style: chr1-45331477-C-A. GRCh37 (hg19) VCF-style: chr1-45797149-C-A.
Other names: c.1266G>T, p.Gln422His (NM_001128425.2); c.1227G>T, p.Gln409His (NM_001293190.2); c.1215G>T, p.Gln405His (NM_001293191.2, NM_001407069.1, NM_001407077.1); c.906G>T, p.Gln302His (NM_001293192.2, NM_001293196.2, NM_001407091.1); c.1182G>T, p.Gln394His (NM_001293195.2, NM_001407081.1, NM_001407088.1 and 6 more transcripts); c.837G>T, p.Gln279His (NM_001350650.2, NM_001350651.2, NM_001407082.1); c.1224G>T, p.Gln408His (NM_001407083.1, NM_001407085.1); c.1185G>T, p.Gln395His (NM_001407086.1, NM_001048172.2, NM_001407071.1 and 1 more transcripts); and 5 more; short protein forms Q302H, Q405H, Q408H, Q366H, Q394H, Q401H, Q409H, Q422H.
Identifiers: ClinVar variation 4113144 (VCV004113144.1).